The following is an entry in ClinVar:

ClinVar aggregate classification (germline): Uncertain significance. Review status: criteria provided, multiple submitters, no conflicts (2 of 4 stars). 3 submissions from 3 submitters: Uncertain significance (3). Last evaluated 2024-11-08.

Conditions:
Inborn genetic diseases. Identifiers: MedGen C0950123, MeSH D030342.

Allele frequency attached by ClinVar (database versions not stated): ExAC 0.00009; gnomAD 0.00010 and 0.00011.
gnomAD v4.1: 235 of 1,587,380 alleles (0.015%); highest among the groups gnomAD compares: Non-Finnish European, 0.019%; no homozygotes.

Submissions (3):

Ambry Genetics
Classification: Uncertain significance for Inborn genetic diseases. Last evaluated: 2024-11-08. Review status: criteria provided, single submitter. Criteria: Ambry Variant Classification Scheme 2023. Collection method: clinical testing. Allele origin: germline.

Blueprint Genetics
Classification: Uncertain significance. Last evaluated: 2022-11-06. Review status: criteria provided, single submitter. Criteria: ACMG Guidelines, 2015. Collection method: clinical testing. Allele origin: germline.

Labcorp Genetics (formerly Invitae), Labcorp
Classification: Uncertain significance. Last evaluated: 2022-08-09. Review status: criteria provided, single submitter. Criteria: Invitae Variant Classification Sherloc (09022015). Collection method: clinical testing. Allele origin: germline.
Comment: This sequence change replaces arginine, which is basic and polar, with glycine, which is neutral and non-polar, at codon 621 of the ARHGEF18 protein (p.Arg621Gly). This variant is present in population databases (rs757018847, gnomAD 0.01%). This variant has not been reported in the literature in individuals affected with ARHGEF18-related conditions. ClinVar contains an entry for this variant (Variation ID: 1408935). Algorithms developed to predict the effect of missense changes on protein structure and function (SIFT, PolyPhen-2, Align-GVGD) all suggest that this variant is likely to be disruptive. In summary, the available evidence is currently insufficient to determine the role of this variant in disease. Therefore, it has been classified as a Variant of Uncertain Significance.

NM_001367823.1(ARHGEF18):c.2425C>G (p.Arg809Gly)

Gene: ARHGEF18 (Rho/Rac guanine nucleotide exchange factor 18; plus strand). Cytogenetic location: 19p13.2.
Variant type: single nucleotide variant.
Coding change: c.2425C>G on transcript NM_001367823.1 (MANE Select); coding-DNA position 2425, C replaced by G.
Protein change: p.Arg809Gly; replaces arginine 809 with glycine.
Molecular consequence: missense variant.
Genome position (GRCh38, 1-based): chr19:7,459,967, C>G. VCF-style: chr19-7459967-C-G. GRCh37 (hg19) VCF-style: chr19-7524853-C-G.
Other names: c.1699C>G, p.Arg567Gly (NM_001130955.2); c.1387C>G, p.Arg463Gly (NM_001367824.1, NM_015318.4); c.1861C>G (NM_001130955.1); short protein forms R567G, R463G, R809G.
Identifiers: ClinVar variation 1408935 (VCV001408935.5), dbSNP rs757018847, ClinGen allele CA9136832.
Genomic context (GRCh38, chr19:7,459,967, plus strand): 5'-CCTGACGAGGAGGAGGGGCCCTTCAGCCTGCCCGAAGAGGAAAGGAAGGTGGTCGAGGCC[C>G]GCGCCACGAGACTCCGGGACTTTCAAGGTGAGCGGGAGACAGCGTCTGGGCACACCCCTT-3'
Protein context (NP_001354752.1, residues 799-819): PEEERKVVEA[Arg809Gly]ATRLRDFQER